The following is an entry in ClinVar:

NM_001190274.2(FBXO11):c.104C>T (p.Pro35Leu)

Genes: FBXO11 (F-box protein 11; minus strand), LOC100506235 (uncharacterized LOC100506235; plus strand). Cytogenetic location: 2p16.3.
Variant type: single nucleotide variant.
Coding change: c.104C>T on transcript NM_001190274.2 (MANE Select); coding-DNA position 104, C replaced by T.
Protein change: p.Pro35Leu; replaces proline 35 with leucine.
Molecular consequence: missense variant. On other transcripts: non-coding transcript variant (1).
Genome position (GRCh38, 1-based): chr2:47,905,617, G>A on the plus strand (C>T on the coding strand, the complement: FBXO11 is on the minus strand). VCF-style: chr2-47905617-G-A. GRCh37 (hg19) VCF-style: chr2-48132756-G-A.
Other names: short protein forms P35L.
Identifiers: ClinVar variation 2077550 (VCV002077550.4), dbSNP rs908532871, ClinGen allele CA47236595.
Genomic context (GRCh38, chr2:47,905,617, plus strand): 5'-TGCTGCTGCTGCTGCTGCGGCGGCGGCGGAGGCTGCTGCTGGGGCGGCTGCTGCTGGGGC[G>A]GCTGCGGCGGCGGCTGCTGCGGGGGCTGCTGCTGCTGTTGCTGCACCGGGCGCGGCCGCG-3'
Protein context (NP_001177203.1, residues 25-45): QQPPQQPPPQ[Pro35Leu]PQQQPPQQQP

ClinVar aggregate classification (germline): Uncertain significance (1 of 4 stars; one submission).

Allele frequency attached by ClinVar (database versions not stated): gnomAD exomes 0.00001.
gnomAD v4.1: 6 of 1,367,234 alleles (0.00044%); highest among the groups gnomAD compares: African/African-American, 0.0015%; no homozygotes.

Submission:

Labcorp Genetics (formerly Invitae), Labcorp
Classification: Uncertain significance. Last evaluated: 2024-07-11. Review status: criteria provided, single submitter. Criteria: Invitae Variant Classification Sherloc (09022015). Collection method: clinical testing. Allele origin: germline.
Comment: This sequence change replaces proline, which is neutral and non-polar, with leucine, which is neutral and non-polar, at codon 35 of the FBXO11 protein (p.Pro35Leu). This variant is not present in population databases (gnomAD no frequency). This variant has not been reported in the literature in individuals affected with FBXO11-related conditions. ClinVar contains an entry for this variant (Variation ID: 2077550). Experimental studies and prediction algorithms are not available or were not evaluated, and the functional significance of this variant is currently unknown. In summary, the available evidence is currently insufficient to determine the role of this variant in disease. Therefore, it has been classified as a Variant of Uncertain Significance.